The following is an entry in ClinVar:

ClinVar aggregate classification (germline): Uncertain significance (1 of 4 stars; one submission).

gnomAD v4.1: 47 of 1,509,146 alleles (0.0031%); highest among the groups gnomAD compares: Middle Eastern, 0.018%; no homozygotes.

Submission:

Labcorp Genetics (formerly Invitae), Labcorp
Classification: Uncertain significance. Last evaluated: 2025-06-12. Review status: criteria provided, single submitter. Criteria: Invitae Variant Classification Sherloc (09022015). Collection method: clinical testing. Allele origin: germline.
Comment: This sequence change affects codon 1320 of the FBN3 mRNA. It is a 'silent' change, meaning that it does not change the encoded amino acid sequence of the FBN3 protein. It affects a nucleotide within the consensus splice site. This variant is present in population databases (rs541778651, gnomAD 0.007%). This variant has not been reported in the literature in individuals affected with FBN3-related conditions. ClinVar contains an entry for this variant (Variation ID: 3633766). Algorithms developed to predict the effect of sequence changes on RNA splicing suggest that this variant is not likely to affect RNA splicing. In summary, the available evidence is currently insufficient to determine the role of this variant in disease. Therefore, it has been classified as a Variant of Uncertain Significance.

NM_032447.5(FBN3):c.3960C>T (p.His1320=)

Gene: FBN3 (fibrillin 3; minus strand). Cytogenetic location: 19p13.2.
Variant type: single nucleotide variant.
Coding change: c.3960C>T on transcript NM_032447.5 (MANE Select); coding-DNA position 3960, C replaced by T.
Protein change: p.His1320=; no amino-acid change (histidine 1320 retained).
Molecular consequence: synonymous variant.
Genome position (GRCh38, 1-based): chr19:8,111,978, G>A on the plus strand (C>T on the coding strand, the complement: FBN3 is on the minus strand). VCF-style: chr19-8111978-G-A. GRCh37 (hg19) VCF-style: chr19-8176862-G-A.
Other names: c.3960C>T, p.His1320= (NM_001321431.2).
Identifiers: ClinVar variation 3633766 (VCV003633766.2).